The following is an entry in ClinVar:

NM_000504.4(F10):c.1270G>A (p.Val424Ile)

Genes: F10 (coagulation factor X; plus strand), F10-AS2 (F10 antisense RNA 2; minus strand). Cytogenetic location: 13q34.
Variant type: single nucleotide variant.
Coding change: c.1270G>A on transcript NM_000504.4 (MANE Select); coding-DNA position 1270, G replaced by A.
Protein change: p.Val424Ile; replaces valine 424 with isoleucine.
Molecular consequence: missense variant. On other transcripts: 3 prime UTR variant (1).
Genome position (GRCh38, 1-based): chr13:113,149,320, G>A. VCF-style: chr13-113149320-G-A. GRCh37 (hg19) VCF-style: chr13-113803634-G-A.
Other names: c.1138G>A, p.Val380Ile (NM_001312674.2); c.*261G>A (NM_001312675.2); short protein forms V380I, V424I.
Identifiers: ClinVar variation 4981734 (VCV004981734.1).

ClinVar aggregate classification (germline): Uncertain significance (1 of 4 stars; one submission).

Conditions:
F10-related disorder. Also called: F10-related condition.

gnomAD v4.1: 112 of 1,613,272 alleles (0.0069%); highest among the groups gnomAD compares: Admixed American, 0.067%; no homozygotes.

Submission:

PreventionGenetics, part of Exact Sciences
Classification: Uncertain significance for F10-related condition. Last evaluated: 2026-06-30. Review status: criteria provided, single submitter. Criteria: ACMG Guidelines, 2015. Collection method: clinical testing. Allele origin: germline.
Comment: The F10 c.1270G>A variant is predicted to result in the amino acid substitution p.Val424Ile. This variant has not been reported in the literature in individuals with Factor X deficiency. This variant is reported in 0.042% of alleles in individuals of Latino descent in gnomAD. At this time, the clinical significance of this variant is uncertain due to the absence of conclusive functional and genetic evidence.